The following is an entry in ClinVar:

NM_003072.5(SMARCA4):c.4053C>T (p.Asp1351=)

Gene: SMARCA4 (SWI/SNF related BAF chromatin remodeling complex subunit ATPase 4; plus strand). Cytogenetic location: 19p13.2.
Variant type: single nucleotide variant.
Coding change: c.4053C>T on transcript NM_003072.5 (MANE Select); coding-DNA position 4053, C replaced by T.
Protein change: p.Asp1351=; no amino-acid change (aspartic acid 1351 retained).
Molecular consequence: synonymous variant. On other transcripts: non-coding transcript variant (1).
Genome position (GRCh38, 1-based): chr19:11,035,015, C>T. VCF-style: chr19-11035015-C-T. GRCh37 (hg19) VCF-style: chr19-11145691-C-T.
Other names: p.Asp1351=; c.4053C>T, p.Asp1351= (NM_001128844.3, NM_001128849.3, NM_001387283.1); c.3954C>T, p.Asp1318= (NM_001128845.2, NM_001128846.2, NM_001128847.4 and 2 more transcripts); c.4053C>T (NM_001128849.2).
Identifiers: ClinVar variation 126362 (VCV000126362.28), dbSNP rs28997582, ClinGen allele CA151115.

ClinVar aggregate classification (germline): Benign/Likely benign. Review status: criteria provided, multiple submitters, no conflicts (2 of 4 stars). 12 submissions from 12 submitters: Benign (11); Likely benign (1). Last evaluated 2026-07-17.

Conditions:
Coffin-Siris syndrome. Identifiers: Orphanet 1465, MedGen C0265338, MONDO:0015452.
Hereditary cancer-predisposing syndrome. Also called: Neoplastic Syndromes, Hereditary; Tumor predisposition; Hereditary neoplastic syndrome; Hereditary Cancer Syndrome. Identifiers: Orphanet 140162, MedGen C0027672, MeSH D009386, MONDO:0015356.
Intellectual disability, autosomal dominant 16 (CSS4). Also called: COFFIN-SIRIS SYNDROME 4. Identifiers: Orphanet 1465, MedGen C3553249, MONDO:0013821, OMIM 614609.
Rhabdoid tumor predisposition syndrome 2 (RTPS2). Identifiers: Orphanet 231108, Orphanet 69077, MedGen C2750074, MONDO:0013224, OMIM 613325.

Allele frequency attached by ClinVar (database versions not stated): 1000 Genomes Project 30x 0.04497; gnomAD 0.04598 and 0.04841; TOPMed 0.04177; ESP Exome Variant Server 0.04613; gnomAD exomes 0.06075 and 0.06476; 1000 Genomes Project 0.04712; ExAC 0.07271.
gnomAD v4.1: 101,793 of 1,611,880 alleles (6.3%); highest among the groups gnomAD compares: South Asian, 10%; 3,655 homozygotes.

Submissions (12):

Myriad Genetics, Inc.
Classification: Benign for Rhabdoid tumor predisposition syndrome 2. Last evaluated: 2026-07-17. Review status: criteria provided, single submitter. Criteria: Myriad Autosomal Dominant, Autosomal Recessive and X-Linked Classification Criteria (2023). Collection method: clinical testing. Allele origin: unknown.
Comment: This variant is considered benign. This variant is a silent/synonymous amino acid change and it is not expected to impact splicing.

Labcorp Genetics (formerly Invitae), Labcorp
Classification: Benign for Rhabdoid tumor predisposition syndrome 2. Last evaluated: 2026-02-04. Review status: criteria provided, single submitter. Criteria: Invitae Variant Classification Sherloc (09022015). Collection method: clinical testing. Allele origin: germline.

Molecular Diagnostics Laboratory, Catalan Institute of Oncology
Classification: Benign for Hereditary cancer-predisposing syndrome. Last evaluated: 2025-03-26. Review status: criteria provided, single submitter. Criteria: ACMG Guidelines, 2015. Collection method: clinical testing. Allele origin: germline.
Comment: BA1 c.4053C>T located in exon 29 of the SMARCA4 gene results in no amino acid change, p.(Asp1351=).This variant is found in 15768/264446, with a filter allele frequency of 5.85% at 99% confidence in the gnomAD v2.1.1 database (non-cancer data set)(BA1). To our knowledge, functional studies have not been reported for this variant. In addition, the variant was also identified in the ClinVar database (8x benign) and in LOVD database (8x uncertain significance). Based on currently available information, the variant c.4053C>T is classified as a benign variant according to ACMG guidelines.

Blueprint Genetics
Classification: Likely benign. Last evaluated: 2024-11-28. Review status: criteria provided, single submitter. Criteria: ACMG Guidelines, 2015. Collection method: clinical testing. Allele origin: germline.

Mayo Clinic Laboratories, Mayo Clinic
Classification: Benign. Last evaluated: 2022-02-18. Review status: criteria provided, single submitter. Criteria: ACMG Guidelines, 2015. Collection method: clinical testing. Allele origin: germline. Observed: 42 variant alleles.

Genome-Nilou Lab
Classification: Benign for Intellectual disability, autosomal dominant 16. Last evaluated: 2021-07-15. Review status: criteria provided, single submitter. Criteria: ACMG Guidelines, 2015. Collection method: clinical testing. Allele origin: germline. Affected: no.

Illumina Laboratory Services, Illumina
Classification: Benign for Coffin-Siris syndrome. Last evaluated: 2018-01-13. Review status: criteria provided, single submitter. Criteria: ICSL Variant Classification Criteria 13 December 2019. Collection method: clinical testing. Allele origin: germline.
Comment: This variant was observed in the ICSL laboratory as part of a predisposition screen in an ostensibly healthy population. It had not been previously curated by ICSL or reported in the Human Gene Mutation Database (HGMD: prior to June 1st, 2018), and was therefore a candidate for classification through an automated scoring system. Utilizing variant allele frequency, disease prevalence and penetrance estimates, and inheritance mode, an automated score was calculated to assess if this variant is too frequent to cause the disease. Based on the score and internal cut-off values, a variant classified as benign is not then subjected to further curation. The score for this variant resulted in a classification of benign for this disease.

GeneDx
Classification: Benign. Last evaluated: 2016-03-02. Review status: criteria provided, single submitter. Criteria: GeneDx Variant Classification (06012015). Collection method: clinical testing. Allele origin: germline. Affected: yes.
Comment: This variant is considered likely benign or benign based on one or more of the following criteria: it is a conservative change, it occurs at a poorly conserved position in the protein, it is predicted to be benign by multiple in silico algorithms, and/or has population frequency not consistent with disease.

Ambry Genetics
Classification: Benign for Hereditary cancer-predisposing syndrome. Last evaluated: 2015-05-20. Review status: criteria provided, single submitter. Criteria: Ambry Variant Classification Scheme 2023. Collection method: clinical testing. Allele origin: germline.

Genetic Services Laboratory, University of Chicago
Classification: Benign for AllHighlyPenetrant. Last evaluated: 2013-08-15. Review status: criteria provided, single submitter. Criteria: ACMG Guidelines, 2007. Collection method: clinical testing. Allele origin: germline. Inheritance: Autosomal dominant inheritance. Observed: 15 variant alleles.

Breakthrough Genomics
Classification: Benign. Review status: criteria provided, single submitter. Criteria: ACMG Guidelines, 2015. Collection method: not provided. Allele origin: germline. Inheritance: Autosomal dominant inheritance. Affected: yes.

PreventionGenetics, part of Exact Sciences
Classification: Benign. Review status: criteria provided, single submitter. Criteria: ACMG Guidelines, 2015. Collection method: clinical testing. Allele origin: germline.